The following is an entry in ClinVar:

NM_004991.4(MECOM):c.1720A>C (p.Ser574Arg)

Gene: MECOM (MDS1 and EVI1 complex locus; minus strand). Cytogenetic location: 3q26.2.
Variant type: single nucleotide variant.
Coding change: c.1720A>C on transcript NM_004991.4 (MANE Select); coding-DNA position 1720, A replaced by C.
Protein change: p.Ser574Arg; replaces serine 574 with arginine.
Molecular consequence: missense variant. On other transcripts: intron variant (2).
Genome position (GRCh38, 1-based): chr3:169,116,152, T>G on the plus strand (A>C on the coding strand, the complement: MECOM is on the minus strand). VCF-style: chr3-169116152-T-G. GRCh37 (hg19) VCF-style: chr3-168833940-T-G.
Other names: c.1351A>C, p.Ser451Arg (NM_001105077.4); c.1156A>C, p.Ser386Arg (NM_001105078.4, NM_001164000.2, NM_001205194.2 and 4 more transcripts); c.1159A>C, p.Ser387Arg (NM_001163999.2, NM_001366467.2, NM_001366468.2 and 1 more transcripts); c.1720A>C, p.Ser574Arg (NM_001366466.2); c.1133-385A>C (NM_001366473.2); c.569-385A>C (NM_001366474.2); short protein forms S574R, S387R, S451R, S386R.
Identifiers: ClinVar variation 3871884 (VCV003871884.1).

ClinVar aggregate classification (germline): Uncertain significance (1 of 4 stars; one submission).

Conditions:
Inborn genetic diseases. Identifiers: MedGen C0950123, MeSH D030342.

gnomAD v4.1: 3 of 1,614,202 alleles (0.00019%); highest among the groups gnomAD compares: Admixed American, 0.0033%; no homozygotes.

Submission:

Ambry Genetics
Classification: Uncertain significance for Inborn genetic diseases. Last evaluated: 2025-03-06. Review status: criteria provided, single submitter. Criteria: Ambry Variant Classification Scheme 2023. Collection method: clinical testing. Allele origin: germline.
Comment: The p.S574R variant (also known as c.1720A>C), located in coding exon 8 of the MECOM gene, results from an A to C substitution at nucleotide position 1720. The serine at codon 574 is replaced by arginine, an amino acid with dissimilar properties. This amino acid position is conserved. In addition, the in silico prediction for this alteration is inconclusive. Based on the available evidence, the clinical significance of this variant remains unclear.